The following is an entry in ClinVar:

ClinVar aggregate classification (germline): Uncertain significance (1 of 4 stars; one submission).

Conditions:
Inborn genetic diseases. Identifiers: MedGen C0950123, MeSH D030342.

gnomAD v4.1: 1 of 1,608,960 alleles (0.000062%); highest among the groups gnomAD compares: Non-Finnish European, 0.000085%; no homozygotes.

Submission:

Ambry Genetics
Classification: Uncertain significance for Inborn genetic diseases. Last evaluated: 2025-10-23. Review status: criteria provided, single submitter. Criteria: Ambry Variant Classification Scheme 2023. Collection method: clinical testing. Allele origin: germline.
Comment: The c.3406G>A (p.G1136R) alteration is located in exon 37 (coding exon 36) of the COL4A4 gene. This alteration results from a G to A substitution at nucleotide position 3406, causing the glycine (G) at amino acid position 1136 to be replaced by an arginine (R). Based on data from gnomAD, the A allele has an overall frequency of <0.001% (1/249160) total alleles studied. The highest observed frequency was 0.001% (1/113012) of European (non-Finnish) alleles. Based on insufficient or conflicting evidence, the clinical significance of this alteration remains unclear.

NM_000092.5(COL4A4):c.3406G>A (p.Gly1136Arg)

Gene: COL4A4 (collagen type IV alpha 4 chain; minus strand). Cytogenetic location: 2q36.3.
Variant type: single nucleotide variant.
Coding change: c.3406G>A on transcript NM_000092.5 (MANE Select); coding-DNA position 3406, G replaced by A.
Protein change: p.Gly1136Arg; replaces glycine 1136 with arginine.
Molecular consequence: missense variant.
Genome position (GRCh38, 1-based): chr2:227,042,247, C>T on the plus strand (G>A on the coding strand, the complement: COL4A4 is on the minus strand). VCF-style: chr2-227042247-C-T. GRCh37 (hg19) VCF-style: chr2-227906963-C-T.
Other names: short protein forms G1136R.
Identifiers: ClinVar variation 4616266 (VCV004616266.1).
Genomic context (GRCh38, chr2:227,042,247, plus strand): 5'-GGAGGCCTCTTGGCCCAGGGTCTCCCATTTCTCCTGGCTGTCCCCTCAGCCCAGGCATCC[C>T]GTGATCACCTGAGGATGACAGGGAAGTTTTGCAGATGGCCAGATAATAAATGAATTACAT-3'
Protein context (NP_000083.3, residues 1126-1146): SGPPGCPGDH[Gly1136Arg]MPGLRGQPGE